The following is an entry in ClinVar:

ClinVar aggregate classification (germline): Uncertain significance. Review status: criteria provided, multiple submitters, no conflicts (2 of 4 stars). 6 submissions from 6 submitters: Uncertain significance (6). Last evaluated 2024-11-23.

Conditions:
Cardiovascular phenotype. Identifiers: MedGen CN230736.
Catecholaminergic polymorphic ventricular tachycardia (CVPT). Also called: Catecholamine-induced polymorphic ventricular tachycardia. Identifiers: Orphanet 3286, MedGen C5574922, MONDO:0017990.
Cardiomyopathy (CMYO). Also called: Cardiomyopathies. Identifiers: Orphanet 167848, MedGen C0878544, MONDO:0004994, HP:0001638. Inheritance: Various modes of inheritance.
Catecholaminergic polymorphic ventricular tachycardia 1. Also called: RYR2-Related Catecholaminergic Polymorphic Ventricular Tachycardia; VENTRICULAR TACHYCARDIA, CATECHOLAMINERGIC POLYMORPHIC, 1, WITH OR WITHOUT ATRIAL DYSFUNCTION AND/OR DILATED CARDIOMYOPATHY; VENTRICULAR TACHYCARDIA, STRESS-INDUCED POLYMORPHIC 1. Identifiers: Orphanet 3286, MedGen C1631597, MONDO:0011484, OMIM 604772.

Allele frequency attached by ClinVar (database versions not stated): gnomAD 0.00001; gnomAD exomes 0.00001; TOPMed 0.00001; ExAC 0.00002.
gnomAD v4.1: 13 of 1,605,122 alleles (0.00081%); highest among the groups gnomAD compares: South Asian, 0.0011%; no homozygotes.

Submissions (6):

Ambry Genetics
Classification: Uncertain significance for Cardiovascular phenotype. Last evaluated: 2024-11-23. Review status: criteria provided, single submitter. Criteria: Ambry Variant Classification Scheme 2023. Collection method: clinical testing. Allele origin: germline.
Comment: The p.E3633K variant (also known as c.10897G>A), located in coding exon 77 of the RYR2 gene, results from a G to A substitution at nucleotide position 10897. The glutamic acid at codon 3633 is replaced by lysine, an amino acid with similar properties. This amino acid position is well conserved in available vertebrate species. In addition, the in silico prediction for this alteration is inconclusive. Based on the available evidence, the clinical significance of this variant remains unclear.

Labcorp Genetics (formerly Invitae), Labcorp
Classification: Uncertain significance for Catecholaminergic polymorphic ventricular tachycardia 1. Last evaluated: 2024-05-25. Review status: criteria provided, single submitter. Criteria: Invitae Variant Classification Sherloc (09022015). Collection method: clinical testing. Allele origin: germline.
Comment: This sequence change replaces glutamic acid, which is acidic and polar, with lysine, which is basic and polar, at codon 3633 of the RYR2 protein (p.Glu3633Lys). This variant is present in population databases (rs748501600, gnomAD 0.004%). This variant has not been reported in the literature in individuals affected with RYR2-related conditions. ClinVar contains an entry for this variant (Variation ID: 201348). Advanced modeling of protein sequence and biophysical properties (such as structural, functional, and spatial information, amino acid conservation, physicochemical variation, residue mobility, and thermodynamic stability) has been performed at Invitae for this missense variant, however the output from this modeling did not meet the statistical confidence thresholds required to predict the impact of this variant on RYR2 protein function. Algorithms developed to predict the effect of sequence changes on RNA splicing suggest that this variant may disrupt the consensus splice site. In summary, the available evidence is currently insufficient to determine the role of this variant in disease. Therefore, it has been classified as a Variant of Uncertain Significance.

All of Us Research Program, National Institutes of Health
Classification: Uncertain significance for Catecholaminergic polymorphic ventricular tachycardia. Last evaluated: 2024-03-24. Review status: criteria provided, single submitter. Criteria: ACMG Guidelines, 2015. Collection method: clinical testing. Allele origin: germline. Inheritance: Autosomal dominant inheritance. Observed: 3 variant alleles, 3 heterozygotes.
Comment: This missense variant replaces glutamic acid with lysine at codon 3633 of the RYR2 protein. Computational prediction suggests that this variant may have deleterious impact on protein structure and function (internally defined REVEL score threshold >= 0.7, PMID: 27666373). Splice site prediction tools suggest that this variant may not impact RNA splicing. To our knowledge, functional studies have not been performed for this variant. This variant has not been reported in individuals affected with cardiovascular disorders in the literature. This variant has been identified in 3/248568 chromosomes in the general population by the Genome Aggregation Database (gnomAD). The available evidence is insufficient to determine the role of this variant in disease conclusively. Therefore, this variant is classified as a Variant of Uncertain Significance.

This study involves interpretation of variants in research participants for the purpose of population health screening. Participant phenotype was not available at the time of variant classification. Additional details can be found in publication PMID: 35346344, PMCID: PMC8962531

Color Diagnostics, LLC DBA Color Health
Classification: Uncertain significance for Cardiomyopathy. Last evaluated: 2024-03-13. Review status: criteria provided, single submitter. Criteria: ACMG Guidelines, 2015. Collection method: clinical testing. Allele origin: germline.
Comment: This missense variant replaces glutamic acid with lysine at codon 3633 of the RYR2 protein. Computational prediction is inconclusive regarding the impact of this variant on protein structure and function (internally defined REVEL score threshold 0.5 < inconclusive < 0.7, PMID: 27666373). To our knowledge, functional studies have not been reported for this variant. This variant has not been reported in individuals affected with RYR2-related disorders in the literature. This variant has been identified in 3/248568 chromosomes in the general population by the Genome Aggregation Database (gnomAD). The available evidence is insufficient to determine the role of this variant in disease conclusively. Therefore, this variant is classified as a Variant of Uncertain Significance.

Mayo Clinic Laboratories, Mayo Clinic
Classification: Uncertain significance. Last evaluated: 2021-01-08. Review status: criteria provided, single submitter. Criteria: ACMG Guidelines, 2015. Collection method: clinical testing. Allele origin: germline. Observed: 1 variant allele.

GeneDx
Classification: Uncertain significance. Last evaluated: 2018-12-06. Review status: criteria provided, single submitter. Criteria: GeneDx Variant Classification (06012015). Collection method: clinical testing. Allele origin: germline. Affected: yes.
Comment: This variant is denoted Glu3633Lys (aka E3633K) at the protein level and c.10897 G>A at the cDNA level. The Glu3633Lys variant in the RYR2 gene has not been reported previously as a disease-causing mutation nor as a benign polymorphism, to our knowledge. Glu3633Lys results in a non-conservative amino acid substitution of a negatively charged Glutamic acid with a positively charged Lysine at a residue that is conserved across species. However, the Glu3633Lys variant does not occur in or near any of the three mutation hot spot regions in the RYR2 gene. We cannot unequivocally determine whether the Glu3633Lys variant is disease-causing mutations or benign variants. The variant is found in CPVT panel(s).

NM_001035.3(RYR2):c.10897G>A (p.Glu3633Lys)

Gene: RYR2 (ryanodine receptor 2; plus strand). Cytogenetic location: 1q43.
Variant type: single nucleotide variant.
Coding change: c.10897G>A on transcript NM_001035.3 (MANE Select); coding-DNA position 10897, G replaced by A.
Protein change: p.Glu3633Lys; replaces glutamic acid 3633 with lysine.
Molecular consequence: missense variant.
Genome position (GRCh38, 1-based): chr1:237,730,318, G>A. VCF-style: chr1-237730318-G-A. GRCh37 (hg19) VCF-style: chr1-237893618-G-A.
Other names: p.E3633K:GAA>AAA; c.10897G>A, p.Glu3633Lys (LRG_402t1); short protein forms E3633K.
Identifiers: ClinVar variation 201348 (VCV000201348.23), dbSNP rs748501600, ClinGen allele CA006795.